The following is an entry in ClinVar:

ClinVar aggregate classification (germline): Likely pathogenic (1 of 4 stars; one submission).

Conditions:
Combined immunodeficiency due to LRBA deficiency. Also called: Common variable immunodeficiency 8, with autoimmunity. Identifiers: Orphanet 445018, MedGen C3553512, MONDO:0013863, OMIM 614700.

Submission:

3billion
Classification: Likely pathogenic for Combined immunodeficiency due to LRBA deficiency. Review status: criteria provided, single submitter. Criteria: ACMG Guidelines, 2015. Collection method: clinical testing. Allele origin: unknown. Affected: yes. Observed: 1 heterozygote.
Comment: The variant is not observed in the gnomAD v2.1.1 dataset. The variant is predicted to result in a loss or disruption of normal protein function through nonsense-mediated decay (NMD) or protein truncation. Multiple pathogenic variants are reported downstream of the variant. Therefore, this variant is classified as Likely pathogenic according to the recommendation of ACMG/AMP guideline.

NM_001364905.1(LRBA):c.5011dup (p.Ser1671fs)

Gene: LRBA (LPS responsive beige-like anchor protein; minus strand). Cytogenetic location: 4q31.3.
Variant type: Duplication.
Coding change: c.5011dup on transcript NM_001364905.1 (MANE Select); coding-DNA position 5011, one base duplicated (T; older notation c.5011dupT).
Protein change: p.Ser1671fs; shifts the reading frame from serine 1671.
Molecular consequence: frameshift variant.
Genome position (GRCh38, 1-based): chr4:150,828,340, A duplicated on the plus strand (T on the coding strand, the reverse complement: LRBA is on the minus strand); the first of 3 consecutive A bases (chr4:150,828,340-150,828,342); duplicating any one gives the same sequence. VCF-style (leftmost placement, unchanged base first): chr4-150828339-G-GA. GRCh37 (hg19) VCF-style: chr4-151749491-G-GA.
Other names: c.5009dup, p.Ser1671Phefs (NM_001199282.3, NM_006726.5); c.5011dup, p.Ser1671fs (NM_001367550.1); short protein forms S1671fs.
Identifiers: ClinVar variation 2572489 (VCV002572489.1), dbSNP rs2546422057, ClinGen allele CA2580616786.